The following is an entry in ClinVar:

ClinVar aggregate classification (germline): Likely benign. Review status: criteria provided, multiple submitters, no conflicts (2 of 4 stars). 3 submissions from 3 submitters: Likely benign (2). 1 of the submissions does not count toward it. Last evaluated 2025-12-01.

Conditions:
ATR-related disorder. Also called: ATR-related condition.
Inborn genetic diseases. Identifiers: MedGen C0950123, MeSH D030342.

Allele frequency attached by ClinVar (database versions not stated): TOPMed below 0.00001; gnomAD exomes 0.00001; ExAC 0.00002.
gnomAD v4.1: 4 of 1,613,778 alleles (0.00025%); highest among the groups gnomAD compares: Non-Finnish European, 0.00034%; no homozygotes.

Submissions (3):

Labcorp Genetics (formerly Invitae), Labcorp
Classification: Likely benign. Last evaluated: 2025-12-01. Review status: criteria provided, single submitter. Criteria: Invitae Variant Classification Sherloc (09022015). Collection method: clinical testing. Allele origin: germline.

Ambry Genetics
Classification: Likely benign for Inborn genetic diseases. Last evaluated: 2022-05-12. Review status: criteria provided, single submitter. Criteria: Ambry Variant Classification Scheme 2023. Collection method: clinical testing. Allele origin: germline.

PreventionGenetics, part of Exact Sciences
Classification: Likely benign for ATR-related condition. Last evaluated: 2024-04-17. Review status: no assertion criteria provided. Collection method: clinical testing. Allele origin: germline. Not counted in ClinVar's aggregate classification.
Comment: This variant is classified as likely benign based on ACMG/AMP sequence variant interpretation guidelines (Richards et al. 2015 PMID: 25741868, with internal and published modifications).

NM_001184.4(ATR):c.2655A>G (p.Val885=)

Gene: ATR (ATR checkpoint kinase; minus strand). Cytogenetic location: 3q23.
Variant type: single nucleotide variant.
Coding change: c.2655A>G on transcript NM_001184.4 (MANE Select); coding-DNA position 2655, A replaced by G.
Protein change: p.Val885=; no amino-acid change (valine 885 retained).
Molecular consequence: synonymous variant.
Genome position (GRCh38, 1-based): chr3:142,553,377, T>C on the plus strand (A>G on the coding strand, the complement: ATR is on the minus strand). VCF-style: chr3-142553377-T-C. GRCh37 (hg19) VCF-style: chr3-142272219-T-C.
Other names: c.2463A>G, p.Val821= (NM_001354579.2).
Identifiers: ClinVar variation 1794361 (VCV001794361.4), dbSNP rs756012253, ClinGen allele CA2650295.